The following is an entry in ClinVar:

ClinVar aggregate classification (germline): Pathogenic/Likely pathogenic. Review status: criteria provided, multiple submitters, no conflicts (2 of 4 stars). 11 submissions from 11 submitters: Pathogenic (9); Likely pathogenic (1). 1 of the submissions does not count toward it. Last evaluated 2025-03-26.

Conditions:
Junctional epidermolysis bullosa gravis of Herlitz. Also called: Epidermolysis Bullosa Letalis; JEB-HERLITZ TYPE; Herlitz-type junctional epidermolysis bullosa; EPIDERMOLYSIS BULLOSA, JUNCTIONAL 1B, SEVERE; EPIDERMOLYSIS BULLOSA JUNCTIONALIS, HERLITZ TYPE; EPIDERMOLYSIS BULLOSA, JUNCTIONAL, HERLITZ-PEARSON TYPE. Identifiers: Orphanet 79404, MedGen C0079683, MONDO:0009182, OMIM 226700.
Junctional epidermolysis bullosa, non-Herlitz type. Also called: Adult junctional epidermolysis bullosa; COL17A1-Related Junctional Epidermolysis Bullosa; Epidermolysis bullosa, junctional, non-herlitz type, somatic mosaic revertant; EPIDERMOLYSIS BULLOSA, JUNCTIONAL 1A, INTERMEDIATE; EPIDERMOLYSIS BULLOSA JUNCTIONALIS, DISENTIS TYPE; EPIDERMOLYSIS BULLOSA JUNCTIONALIS, NON-HERLITZ TYPE. Identifiers: Orphanet 251393, Orphanet 79402, Orphanet 79405, Orphanet 89840, MedGen C0268374, MONDO:0009180, OMIM 226650.
Amelogenesis imperfecta type 1A. Also called: Amelogenesis imperfecta local hypoplastic; Amelogenesis imperfecta, hypoplastic type; Amelogenesis imperfecta, type IA; AMELOGENESIS IMPERFECTA, HYPOPLASTIC TYPE IA. Identifiers: Orphanet 88661, MedGen C4011403, MONDO:0007094, OMIM 104530.
LAMB3-related disorder. Also called: LAMB3-related condition.

Submissions (11):

Dasa
Classification: Pathogenic. Last evaluated: 2025-03-26. Review status: criteria provided, single submitter. Criteria: DASA Assertion Criteria. Collection method: clinical testing. Allele origin: germline.
Comment: NM_000228.3(LAMB3):c.31dup (p.Leu11Profs*43) introduces a premature termination codon predicted to result in loss of normal protein function. Loss-of-function is an established mechanism of disease for this gene. This variant has been recurrently observed in affected individuals with related phenotype in a genotype context consistent with recessive disease (PMID: 8824879; PMID: 15373767; PMID: 21801158). The variant is present at low frequency in population datasets. Based on the available data, this variant is classified as pathogenic.

GeneDx
Classification: Pathogenic. Last evaluated: 2025-01-21. Review status: criteria provided, single submitter. Criteria: GeneDx Variant Classification Process June 2021. Collection method: clinical testing. Allele origin: germline. Affected: yes.
Comment: Frameshift variant predicted to result in protein truncation or nonsense mediated decay in a gene for which loss of function is a known mechanism of disease; This variant is associated with the following publications: (PMID: 7550237, 8824879, 21801158, 16473856, 15538630, 15373767, 34426522, 33274474, 17916201)

First Genomix Gene Laboratory, Genetic Diagnostics Department
Classification: Likely pathogenic for Junctional epidermolysis bullosa, non-Herlitz type; Junctional epidermolysis bullosa gravis of Herlitz. Last evaluated: 2025-01-06. Review status: criteria provided, single submitter. Criteria: ACMG Guidelines, 2015. Collection method: clinical testing. Allele origin: germline. Inheritance: Autosomal recessive inheritance. Affected: no. Observed: 1 variant allele.

Labcorp Genetics (formerly Invitae), Labcorp
Classification: Pathogenic. Last evaluated: 2024-02-29. Review status: criteria provided, single submitter. Criteria: Invitae Variant Classification Sherloc (09022015). Collection method: clinical testing. Allele origin: germline.
Comment: This sequence change creates a premature translational stop signal (p.Leu11Profs*43) in the LAMB3 gene. It is expected to result in an absent or disrupted protein product. Loss-of-function variants in LAMB3 are known to be pathogenic (PMID: 11023379, 16473856). This variant is present in population databases (rs777672897, gnomAD 0.006%). This premature translational stop signal has been observed in individuals with Herlitz and non-Herlitz junctional epidermolysis bullosa (PMID: 8824879, 15373767, 21801158). This variant is also known as 29insC and 31insC. ClinVar contains an entry for this variant (Variation ID: 633285). For these reasons, this variant has been classified as Pathogenic.

Laboratory of Medical Genetics, National & Kapodistrian University of Athens
Classification: Pathogenic for Junctional epidermolysis bullosa gravis of Herlitz. Last evaluated: 2024-02-01. Review status: criteria provided, single submitter. Criteria: ACMG Guidelines, 2015. Collection method: curation. Allele origin: germline. Affected: no.

Laboratorio de Genetica e Diagnostico Molecular, Hospital Israelita Albert Einstein
Classification: Pathogenic for Junctional epidermolysis bullosa, non-Herlitz type. Last evaluated: 2021-10-26. Review status: criteria provided, single submitter. Criteria: ACMG Guidelines, 2015. Collection method: clinical testing. Allele origin: germline. Affected: yes.
Comment: ACMG classification criteria: PVS1 very strong, PM2 moderate, PM3 very strong

CeGaT Center for Human Genetics Tuebingen
Classification: Pathogenic. Last evaluated: 2021-10-01. Review status: criteria provided, single submitter. Criteria: CeGaT Center For Human Genetics Tuebingen Variant Classification Criteria Version 2. Collection method: clinical testing. Allele origin: germline. Affected: yes. Observed: 1 variant allele.

Fulgent Genetics
Classification: Pathogenic for Amelogenesis imperfecta type 1A; Junctional epidermolysis bullosa, non-Herlitz type; Junctional epidermolysis bullosa gravis of Herlitz. Last evaluated: 2021-08-23. Review status: criteria provided, single submitter. Criteria: ACMG Guidelines, 2015. Collection method: clinical testing. Allele origin: unknown.

Blueprint Genetics
Classification: Pathogenic for LAMB3-related disorders. Last evaluated: 2021-03-16. Review status: criteria provided, single submitter. Criteria: ACMG Guidelines, 2015. Collection method: clinical testing. Allele origin: germline. Affected: yes. Observed: 2 variant alleles.

Women's Health and Genetics/Laboratory Corporation of America, LabCorp
Classification: Pathogenic for Junctional epidermolysis bullosa gravis of Herlitz. Last evaluated: 2018-07-05. Review status: criteria provided, single submitter. Criteria: LabCorp Variant Classification Summary - May 2015. Collection method: clinical testing. Allele origin: germline.
Comment: Variant summary: LAMB3 c.31dupC (p.Leu11ProfsX43) results in a premature termination codon, predicted to cause a truncation of the encoded protein or absence of the protein due to nonsense mediated decay, which are commonly known mechanisms for disease. Truncations downstream of this position have been classified as pathogenic by our laboratory (eg. c.1365_1366delCA, p.Asn456fsX7; c.1903C>T, p.Arg635X). The variant allele was found at a frequency of 2.9e-05 in 243276 control chromosomes (gnomAD). The variant, c.31dupC, has been reported in the literature in multiple individuals affected with Junctional Epidermolysis Bullosa in compound heterozygosity with other known pathogenic variants (Herlitz and non-Herlitz) (Pulkkinen_1995, Yuen_2011, Muhle_2005, Posteraro_2004). These data indicate that the variant is very likely to be associated with disease. To our knowledge, no experimental evidence demonstrating an impact on protein function has been reported. No clinical diagnostic laboratories have submitted clinical-significance assessments for this variant to ClinVar after 2014. Based on the evidence outlined above, the variant was classified as pathogenic.

PreventionGenetics, part of Exact Sciences
Classification: Pathogenic for LAMB3-related condition. Last evaluated: 2024-03-02. Review status: no assertion criteria provided. Collection method: clinical testing. Allele origin: germline. Not counted in ClinVar's aggregate classification.
Comment: The LAMB3 c.31dupC variant is predicted to result in a frameshift and premature protein termination (p.Leu11Profs*43). This variant has been reported in the homozygous and compound heterozygous states in patients with autosomal recessive LAMB3-related disorders (Yuen et al. 2011. PubMed ID: 21801158; Rossi et al. 2021. PubMed ID: 33274474; Pulkkinen et al. 1995. PubMed ID: 7550237). This variant is reported in 0.0087% of alleles in individuals of Latino descent in gnomAD. Frameshift variants in LAMB3 are expected to be pathogenic. This variant is interpreted as pathogenic.

Literature cited by the submitters: PubMed 8824879 (cited by Dasa and Labcorp Genetics (formerly Invitae), Labcorp); PubMed 15373767 (cited by 3 submitters); PubMed 21801158 (cited by 3 submitters); PubMed 11023379 (cited by Labcorp Genetics (formerly Invitae), Labcorp); PubMed 16473856 (cited by Labcorp Genetics (formerly Invitae), Labcorp); PubMed 7550237 (cited by Women's Health and Genetics/Laboratory Corporation of America, LabCorp); PubMed 15538630 (cited by Women's Health and Genetics/Laboratory Corporation of America, LabCorp).

NM_000228.3(LAMB3):c.31dup (p.Leu11fs)

Gene: LAMB3 (laminin subunit beta 3; minus strand). Cytogenetic location: 1q32.2.
Variant type: Duplication.
Coding change: c.31dup on transcript NM_000228.3 (MANE Select); coding-DNA position 31, one base duplicated (C; older notation c.31dupC).
Protein change: p.Leu11fs; shifts the reading frame from leucine 11.
Molecular consequence: frameshift variant.
Genome position (GRCh38, 1-based): chr1:209,650,116, G duplicated on the plus strand (C on the coding strand, the reverse complement: LAMB3 is on the minus strand); the first of 3 consecutive G bases (chr1:209,650,116-209,650,118); duplicating any one gives the same sequence. VCF-style (leftmost placement, unchanged base first): chr1-209650115-A-AG. GRCh37 (hg19) VCF-style: chr1-209823460-A-AG.
Other names: c.31dup, p.Leu11fs (NM_001017402.2, NM_001127641.1); c.31dupC (NM_000228.2, NM_000228.3); short protein forms L11fs.
Identifiers: ClinVar variation 633285 (VCV000633285.53), dbSNP rs777672897, ClinGen allele CA1376117.